The following is an entry in ClinVar:

NM_172107.4(KCNQ2):c.1204G>A (p.Gly402Arg)

Gene: KCNQ2 (potassium voltage-gated channel subfamily Q member 2; minus strand). Cytogenetic location: 20q13.33.
Variant type: single nucleotide variant.
Coding change: c.1204G>A on transcript NM_172107.4 (MANE Select); coding-DNA position 1204, G replaced by A.
Protein change: p.Gly402Arg; replaces glycine 402 with arginine.
Molecular consequence: missense variant.
Genome position (GRCh38, 1-based): chr20:63,428,380, C>T on the plus strand (G>A on the coding strand, the complement: KCNQ2 is on the minus strand). VCF-style: chr20-63428380-C-T. GRCh37 (hg19) VCF-style: chr20-62059733-C-T.
Other names: c.1204G>A, p.Gly402Arg (NM_001382235.1, NM_172106.3, NM_172108.5); c.1174G>A, p.Gly392Arg (NM_004518.6); short protein forms G392R, G402R.
Identifiers: ClinVar variation 2431018 (VCV002431018.2), dbSNP rs1064794001, ClinGen allele CA409649783.

ClinVar aggregate classification (germline): Uncertain significance (1 of 4 stars; one submission).

Submission:

GeneDx
Classification: Uncertain significance. Last evaluated: 2023-05-28. Review status: criteria provided, single submitter. Criteria: GeneDx Variant Classification Process June 2021. Collection method: clinical testing. Allele origin: germline.
Comment: Not observed at significant frequency in large population cohorts (gnomAD); Missense variants in this gene are a common cause of disease and they are underrepresented in the general population; In silico analysis supports that this missense variant has a deleterious effect on protein structure/function; Has not been previously published as pathogenic or benign to our knowledge; This substitution is predicted to be within the C-terminal cytoplasmic domain.